The following is an entry in ClinVar:

ClinVar aggregate classification (germline): Uncertain significance (1 of 4 stars; one submission).

Conditions:
Spondyloenchondrodysplasia with immune dysregulation (SPENCDI). Also called: COMBINED IMMUNODEFICIENCY WITH AUTOIMMUNITY AND SPONDYLOMETAPHYSEAL DYSPLASIA; SPONDYLOENCHONDRODYSPLASIA WITH OR WITHOUT IMMUNE DYSREGULATION; ROIFMAN IMMUNOSKELETAL SYNDROME. Identifiers: Orphanet 1855, MedGen C1842763, MONDO:0011939, OMIM 607944.

Allele frequency attached by ClinVar (database versions not stated): gnomAD 0.00001; TOPMed 0.00001.

Submission:

Labcorp Genetics (formerly Invitae), Labcorp
Classification: Uncertain significance for Spondyloenchondrodysplasia with immune dysregulation. Last evaluated: 2022-07-12. Review status: criteria provided, single submitter. Criteria: Invitae Variant Classification Sherloc (09022015). Collection method: clinical testing. Allele origin: germline.
Comment: This variant has not been reported in the literature in individuals affected with ACP5-related conditions. ClinVar contains an entry for this variant (Variation ID: 1493353). Algorithms developed to predict the effect of missense changes on protein structure and function are either unavailable or do not agree on the potential impact of this missense change (SIFT: "Not Available"; PolyPhen-2: "Probably Damaging"; Align-GVGD: "Not Available"). In summary, the available evidence is currently insufficient to determine the role of this variant in disease. Therefore, it has been classified as a Variant of Uncertain Significance. This sequence change replaces tyrosine, which is neutral and polar, with histidine, which is basic and polar, at codon 278 of the ACP5 protein (p.Tyr278His). This variant is present in population databases (no rsID available, gnomAD 0.007%).

NM_001611.5(ACP5):c.832T>C (p.Tyr278His)

Gene: ACP5 (acid phosphatase 5, tartrate resistant; minus strand). Cytogenetic location: 19p13.2.
Variant type: single nucleotide variant.
Coding change: c.832T>C on transcript NM_001611.5 (MANE Select); coding-DNA position 832, T replaced by C.
Protein change: p.Tyr278His; replaces tyrosine 278 with histidine.
Molecular consequence: missense variant.
Genome position (GRCh38, 1-based): chr19:11,575,156, A>G on the plus strand (T>C on the coding strand, the complement: ACP5 is on the minus strand). VCF-style: chr19-11575156-A-G. GRCh37 (hg19) VCF-style: chr19-11685971-A-G.
Other names: c.832T>C, p.Tyr278His (NM_001111034.3, NM_001111035.3, NM_001111036.3 and 1 more transcripts); short protein forms Y278H.
Identifiers: ClinVar variation 1493353 (VCV001493353.6), dbSNP rs1248410622, ClinGen allele CA404145556.